The following is an entry in ClinVar:

ClinVar aggregate classification (germline): Uncertain significance (1 of 4 stars; one submission).

Submission:

Labcorp Genetics (formerly Invitae), Labcorp
Classification: Uncertain significance. Last evaluated: 2022-07-11. Review status: criteria provided, single submitter. Criteria: Invitae Variant Classification Sherloc (09022015). Collection method: clinical testing. Allele origin: germline.
Comment: In summary, the available evidence is currently insufficient to determine the role of this variant in disease. Therefore, it has been classified as a Variant of Uncertain Significance. Algorithms developed to predict the effect of missense changes on protein structure and function are either unavailable or do not agree on the potential impact of this missense change (SIFT: "Deleterious"; PolyPhen-2: "Possibly Damaging"; Align-GVGD: "Class C0"). This variant has not been reported in the literature in individuals affected with CTNNA1-related conditions. This variant is not present in population databases (gnomAD no frequency). This sequence change replaces alanine, which is neutral and non-polar, with glycine, which is neutral and non-polar, at codon 107 of the CTNNA1 protein (p.Ala107Gly).

NM_001903.5(CTNNA1):c.320C>G (p.Ala107Gly)

Gene: CTNNA1 (catenin alpha 1; plus strand). Cytogenetic location: 5q31.2.
Variant type: single nucleotide variant.
Coding change: c.320C>G on transcript NM_001903.5 (MANE Select); coding-DNA position 320, C replaced by G.
Protein change: p.Ala107Gly; replaces alanine 107 with glycine.
Molecular consequence: missense variant. On other transcripts: intron variant (1).
Genome position (GRCh38, 1-based): chr5:138,810,056, C>G. VCF-style: chr5-138810056-C-G. GRCh37 (hg19) VCF-style: chr5-138145745-C-G.
Other names: c.320C>G, p.Ala107Gly (NM_001290307.3, NM_001323982.2, NM_001323983.1 and 3 more transcripts); c.11C>G, p.Ala4Gly (NM_001290309.3); c.-5-45C>G (NM_001290310.3); short protein forms A107G, A4G.
Identifiers: ClinVar variation 2108094 (VCV002108094.4), dbSNP rs2149726987, ClinGen allele CA361122844.